The following is an entry in ClinVar:

ClinVar aggregate classification (germline): Uncertain significance (1 of 4 stars; one submission).

Allele frequency attached by ClinVar (database versions not stated): gnomAD exomes below 0.00001.
gnomAD v4.1: 1 of 1,211,390 alleles (0.000083%); highest among the groups gnomAD compares: Non-Finnish European, 0.00011%; no homozygotes.

Submission:

GeneDx
Classification: Uncertain significance. Last evaluated: 2022-05-15. Review status: criteria provided, single submitter. Criteria: GeneDx Variant Classification Process June 2021. Collection method: clinical testing. Allele origin: germline. Affected: yes.
Comment: Not observed at significant frequency in large population cohorts (gnomAD); In silico analysis supports that this missense variant has a deleterious effect on protein structure/function; Has not been previously published as pathogenic or benign to our knowledge

NM_001356.5(DDX3X):c.31G>A (p.Gly11Arg)

Gene: DDX3X (DEAD-box helicase 3 X-linked; plus strand). Cytogenetic location: Xp11.4.
Variant type: single nucleotide variant.
Coding change: c.31G>A on transcript NM_001356.5 (MANE Select); coding-DNA position 31, G replaced by A.
Protein change: p.Gly11Arg; replaces glycine 11 with arginine.
Molecular consequence: missense variant. On other transcripts: 5 prime UTR variant (1), non-coding transcript variant (2).
Genome position (GRCh38, 1-based): chrX:41,334,283, G>A. VCF-style: chrX-41334283-G-A. GRCh37 (hg19) VCF-style: chrX-41193536-G-A.
Other names: c.31G>A, p.Gly11Arg (NM_001193416.3, NM_001193417.3); c.-1873G>A (NM_001363819.1); short protein forms G11R.
Identifiers: ClinVar variation 1800603 (VCV001800603.1), dbSNP rs2519481159, ClinGen allele CA412761545.